The following is an entry in ClinVar:

NM_139276.3(STAT3):c.1934T>A (p.Leu645Gln)

Gene: STAT3 (signal transducer and activator of transcription 3; minus strand). Cytogenetic location: 17q21.2.
Variant type: single nucleotide variant.
Coding change: c.1934T>A on transcript NM_139276.3 (MANE Select); coding-DNA position 1934, T replaced by A.
Protein change: p.Leu645Gln; replaces leucine 645 with glutamine.
Molecular consequence: missense variant.
Genome position (GRCh38, 1-based): chr17:42,322,449, A>T on the plus strand (T>A on the coding strand, the complement: STAT3 is on the minus strand). VCF-style: chr17-42322449-A-T. GRCh37 (hg19) VCF-style: chr17-40474467-A-T.
Other names: c.1934T>A, p.Leu645Gln (NM_001369513.1, NM_001369514.1, NM_001369516.1 and 9 more transcripts); c.1850T>A, p.Leu617Gln (NM_001384984.1); c.1856T>A, p.Leu619Gln (NM_001384985.1); c.1949T>A, p.Leu650Gln (NM_001384986.1, NM_001384990.1); c.1913T>A, p.Leu638Gln (NM_001384987.1); c.1838T>A, p.Leu613Gln (NM_001384989.1); c.1907T>A, p.Leu636Gln (NM_001384991.1); c.1874T>A, p.Leu625Gln (NM_001384992.1); short protein forms L645Q, L613Q, L650Q, L617Q, L619Q, L638Q, L625Q, L636Q.
Identifiers: ClinVar variation 2169593 (VCV002169593.4), dbSNP rs2144682791, ClinGen allele CA399582367.
Genomic context (GRCh38, chr17:42,322,449, plus strand): 5'-ATATTGGTAGCATCCATGATCTTATAGCCCATGATGATTTCAGCAAATGACATGTTGTTC[A>T]GCTGCTGCTTTGTGTATGGTTCCACGGACTGGATCTGGGTCTTACCTGTCACAGGACATG-3'
Protein context (NP_644805.1, residues 635-655): QSVEPYTKQQ[Leu645Gln]NNMSFAEIIM

ClinVar aggregate classification (germline): Pathogenic (1 of 4 stars; one submission).

Conditions:
Hyper-IgE recurrent infection syndrome 1, autosomal dominant. Also called: STAT3 Hyper IgE Syndrome; Hyper-IgE recurrent infection syndrome 1; Job's Syndrome; HYPER-IgE SYNDROME 1, AUTOSOMAL DOMINANT, WITH RECURRENT INFECTIONS; JOB SYNDROME. Identifiers: Orphanet 2314, MedGen C2936739, MONDO:0007818, OMIM 147060.
STAT3 gain of function. Identifiers: MedGen C4288261.

Submission:

Labcorp Genetics (formerly Invitae), Labcorp
Classification: Pathogenic for STAT3 gain of function; Hyper-IgE recurrent infection syndrome 1, autosomal dominant. Last evaluated: 2022-11-01. Review status: criteria provided, single submitter. Criteria: Invitae Variant Classification Sherloc (09022015). Collection method: clinical testing. Allele origin: germline.
Comment: This variant is not present in population databases (gnomAD no frequency). This sequence change replaces leucine, which is neutral and non-polar, with glutamine, which is neutral and polar, at codon 645 of the STAT3 protein (p.Leu645Gln). For these reasons, this variant has been classified as Pathogenic. Advanced modeling of protein sequence and biophysical properties (such as structural, functional, and spatial information, amino acid conservation, physicochemical variation, residue mobility, and thermodynamic stability) performed at Invitae indicates that this missense variant is expected to disrupt STAT3 protein function. This missense change has been observed in individual(s) with hyper IgE syndrome (PMID: 31069200, 34060650). In at least one individual the variant was observed to be de novo.

Literature cited by the submitters: PubMed 31069200; PubMed 34060650.